The following is an entry in ClinVar:

NM_000372.5(TYR):c.886C>T (p.Pro296Ser)

Gene: TYR (tyrosinase; plus strand). Cytogenetic location: 11q14.3.
Variant type: single nucleotide variant.
Coding change: c.886C>T on transcript NM_000372.5 (MANE Select); coding-DNA position 886, C replaced by T.
Protein change: p.Pro296Ser; replaces proline 296 with serine.
Molecular consequence: missense variant.
Genome position (GRCh38, 1-based): chr11:89,191,268, C>T. VCF-style: chr11-89191268-C-T. GRCh37 (hg19) VCF-style: chr11-88924436-C-T.
Other names: c.886C>T (NM_000372.4); short protein forms P296S.
Identifiers: ClinVar variation 1943867 (VCV001943867.3), dbSNP rs752062836, ClinGen allele CA6221250.

ClinVar aggregate classification (germline): Uncertain significance. Review status: criteria provided, multiple submitters, no conflicts (2 of 4 stars). 2 submissions from 2 submitters: Uncertain significance (2). Last evaluated 2025-01-24.

Conditions:
Inborn genetic diseases. Identifiers: MedGen C0950123, MeSH D030342.

Allele frequency attached by ClinVar (database versions not stated): TOPMed below 0.00001; gnomAD exomes 0.00005; ExAC 0.00012; 1000 Genomes Project 30x 0.00016.
gnomAD v4.1: 76 of 1,613,588 alleles (0.0047%); highest among the groups gnomAD compares: South Asian, 0.079%; no homozygotes.

Submissions (2):

Ambry Genetics
Classification: Uncertain significance for Inborn genetic diseases. Last evaluated: 2025-01-24. Review status: criteria provided, single submitter. Criteria: Ambry Variant Classification Scheme 2023. Collection method: clinical testing. Allele origin: germline.

Labcorp Genetics (formerly Invitae), Labcorp
Classification: Uncertain significance. Last evaluated: 2022-03-26. Review status: criteria provided, single submitter. Criteria: Invitae Variant Classification Sherloc (09022015). Collection method: clinical testing. Allele origin: germline.
Comment: This sequence change replaces proline, which is neutral and non-polar, with serine, which is neutral and polar, at codon 296 of the TYR protein (p.Pro296Ser). This variant is present in population databases (rs752062836, gnomAD 0.09%). This variant has not been reported in the literature in individuals affected with TYR-related conditions. Advanced modeling of protein sequence and biophysical properties (such as structural, functional, and spatial information, amino acid conservation, physicochemical variation, residue mobility, and thermodynamic stability) performed at Invitae indicates that this missense variant is expected to disrupt TYR protein function. In summary, the available evidence is currently insufficient to determine the role of this variant in disease. Therefore, it has been classified as a Variant of Uncertain Significance.